The following is an entry in ClinVar:

ClinVar aggregate classification (germline): Uncertain significance (1 of 4 stars; one submission).

Conditions:
Nemaline myopathy 9 (NEM9). Identifiers: MedGen C3810384, MONDO:0014326, OMIM 615731.

Submission:

Center of Genomic medicine, Geneva, University Hospital of Geneva
Classification: Uncertain significance for Nemaline myopathy 9. Last evaluated: 2018-12-20. Review status: criteria provided, single submitter. Criteria: ACMG Guidelines, 2015. Collection method: clinical testing. Allele origin: germline. Affected: yes. Observed: 1 variant allele.

NM_006063.3(KLHL41):c.667C>A (p.Arg223Ser)

Gene: KLHL41 (kelch like family member 41; plus strand). Cytogenetic location: 2q31.1.
Variant type: single nucleotide variant.
Coding change: c.667C>A on transcript NM_006063.3 (MANE Select); coding-DNA position 667, C replaced by A.
Protein change: p.Arg223Ser; replaces arginine 223 with serine.
Molecular consequence: missense variant.
Genome position (GRCh38, 1-based): chr2:169,510,445, C>A. VCF-style: chr2-169510445-C-A. GRCh37 (hg19) VCF-style: chr2-170366955-C-A.
Other names: short protein forms R223S.
Identifiers: ClinVar variation 695017 (VCV000695017.2), dbSNP rs754460870, ClinGen allele CA349175890.